The following is an entry in ClinVar:

ClinVar aggregate classification (germline): Uncertain significance (1 of 4 stars; one submission).

Conditions:
Severe combined immunodeficiency due to IKK2 deficiency. Also called: Immunodeficiency 15; IMMUNODEFICIENCY 15B. Identifiers: Orphanet 397787, MedGen C4747743, MONDO:0014267, OMIM 615592.

Allele frequency attached by ClinVar (database versions not stated): gnomAD exomes below 0.00001 and 0.00001; TOPMed 0.00002; gnomAD 0.00003.
gnomAD v4.1: 17 of 1,614,136 alleles (0.0011%); highest among the groups gnomAD compares: Non-Finnish European, 0.0014%; no homozygotes.

Submission:

Labcorp Genetics (formerly Invitae), Labcorp
Classification: Uncertain significance for Severe combined immunodeficiency due to IKK2 deficiency. Last evaluated: 2021-04-01. Review status: criteria provided, single submitter. Criteria: Invitae Variant Classification Sherloc (09022015). Collection method: clinical testing. Allele origin: germline.
Comment: In summary, the available evidence is currently insufficient to determine the role of this variant in disease. Therefore, it has been classified as a Variant of Uncertain Significance. Algorithms developed to predict the effect of missense changes on protein structure and function are either unavailable or do not agree on the potential impact of this missense change (SIFT: "Deleterious"; PolyPhen-2: "Possibly Damaging"; Align-GVGD: "Class C15"). This variant has not been reported in the literature in individuals with IKBKB-related conditions. This variant is not present in population databases (ExAC no frequency). This sequence change replaces serine with phenylalanine at codon 679 of the IKBKB protein (p.Ser679Phe). The serine residue is highly conserved and there is a large physicochemical difference between serine and phenylalanine.

NM_001556.3(IKBKB):c.2036C>T (p.Ser679Phe)

Gene: IKBKB (inhibitor of nuclear factor kappa B kinase subunit beta; plus strand). Cytogenetic location: 8p11.21.
Variant type: single nucleotide variant.
Coding change: c.2036C>T on transcript NM_001556.3 (MANE Select); coding-DNA position 2036, C replaced by T.
Protein change: p.Ser679Phe; replaces serine 679 with phenylalanine.
Molecular consequence: missense variant. On other transcripts: non-coding transcript variant (3).
Genome position (GRCh38, 1-based): chr8:42,326,019, C>T. VCF-style: chr8-42326019-C-T. GRCh37 (hg19) VCF-style: chr8-42183537-C-T.
Other names: c.1844C>T, p.Ser615Phe (NM_001190720.3); c.1859C>T, p.Ser620Phe (NM_001242778.2); short protein forms S620F, S679F, S615F.
Identifiers: ClinVar variation 967656 (VCV000967656.6), dbSNP rs1212103006, ClinGen allele CA371093792.